The following is an entry in ClinVar:

ClinVar aggregate classification (germline): Likely pathogenic (1 of 4 stars; one submission).

Submission:

GeneDx
Classification: Likely pathogenic. Last evaluated: 2026-08-06. Review status: criteria provided, single submitter. Criteria: GeneDx Variant Classification Process June 2021. Collection method: clinical testing. Allele origin: germline.
Comment: Observed in trans with a second variant in a patient with prenatal-onset polycystic kidneys in published literature (PMID: 33168999); In-frame deletion of 2 amino acid(s) in a non-repeat region; Not observed at significant frequency in large population cohorts (gnomAD); In silico analysis supports a deleterious effect on protein structure/function; This variant is associated with the following publications: (PMID: 37372410, 33168999)

NM_001009944.3(PKD1):c.5877_5882del (p.1959AQ[1])

Gene: PKD1 (polycystin 1, transient receptor potential channel interacting; minus strand). Cytogenetic location: 16p13.3.
Variant type: Deletion.
Coding change: c.5877_5882del on transcript NM_001009944.3 (MANE Select); coding-DNA positions 5877 to 5882, 6 bases deleted (CCAGGC; older notation c.5877_5882delCCAGGC).
Protein change: p.1959AQ[1].
Molecular consequence: inframe deletion. On other transcripts: inframe indel (1).
Genome position (GRCh38, 1-based): chr16:2,109,285-2,109,290, GCCTGG deleted on the plus strand (CCAGGC on the coding strand, the reverse complement: PKD1 is on the minus strand); deleting any 6 consecutive bases within chr16:2,109,285-2,109,293 gives the same sequence; the c. name uses the placement nearest the transcript's 3' end. VCF-style (leftmost placement, unchanged base first): chr16-2109284-CGCCTGG-C. GRCh37 (hg19) VCF-style: chr16-2159285-CGCCTGG-C.
Other names: c.5877_5882del, p.1959AQ[1] (NM_000296.4); c.5874_5879delGGCCCA, p.Ala1961_Gln1962del (NM_001009944.2).
Identifiers: ClinVar variation 1706755 (VCV001706755.3), dbSNP rs2544808048, ClinGen allele CA2580090904.